The following is an entry in ClinVar:

NM_004369.4(COL6A3):c.8752G>A (p.Val2918Met)

Gene: COL6A3 (collagen type VI alpha 3 chain; minus strand). Cytogenetic location: 2q37.3.
Variant type: single nucleotide variant.
Coding change: c.8752G>A on transcript NM_004369.4 (MANE Select); coding-DNA position 8752, G replaced by A.
Protein change: p.Val2918Met; replaces valine 2918 with methionine.
Molecular consequence: missense variant.
Genome position (GRCh38, 1-based): chr2:237,336,348, C>T on the plus strand (G>A on the coding strand, the complement: COL6A3 is on the minus strand). VCF-style: chr2-237336348-C-T. GRCh37 (hg19) VCF-style: chr2-238244991-C-T.
Other names: c.6931G>A, p.Val2311Met (NM_057166.5); c.8134G>A, p.Val2712Met (NM_057167.4); short protein forms V2311M, V2712M, V2918M.
Identifiers: ClinVar variation 4534581 (VCV004534581.6).

ClinVar aggregate classification (germline): Uncertain significance (1 of 4 stars; one submission).

gnomAD v4.1: 4 of 1,613,568 alleles (0.00025%); highest among the groups gnomAD compares: South Asian, 0.0033%; no homozygotes.

Submission:

CeGaT Center for Human Genetics Tuebingen
Classification: Uncertain significance. Last evaluated: 2025-11-01. Review status: criteria provided, single submitter. Criteria: CeGaT Center For Human Genetics Tuebingen Variant Classification Criteria Version 2. Collection method: clinical testing. Allele origin: germline. Affected: yes. Observed: 1 variant allele.
Comment: COL6A3: PM2